The following is an entry in ClinVar:

NM_001164508.2(NEB):c.3936C>T (p.Gly1312=)

Gene: NEB (nebulin; minus strand). Cytogenetic location: 2q23.3.
Variant type: single nucleotide variant.
Coding change: c.3936C>T on transcript NM_001164508.2 (MANE Select); coding-DNA position 3936, C replaced by T.
Protein change: p.Gly1312=; no amino-acid change (glycine 1312 retained).
Molecular consequence: synonymous variant.
Genome position (GRCh38, 1-based): chr2:151,674,528, G>A on the plus strand (C>T on the coding strand, the complement: NEB is on the minus strand). VCF-style: chr2-151674528-G-A. GRCh37 (hg19) VCF-style: chr2-152531042-G-A.
Other names: c.3936C>T, p.Gly1312= (NM_001164507.2, NM_001271208.2, NM_004543.5).
Identifiers: ClinVar variation 388584 (VCV000388584.5), dbSNP rs753005851, ClinGen allele CA1910781.

ClinVar aggregate classification (germline): Likely benign. Review status: criteria provided, multiple submitters, no conflicts (2 of 4 stars). 2 submissions from 2 submitters: Likely benign (2). Last evaluated 2026-01-28.

Conditions:
Nemaline myopathy 2 (NEM2). Also called: Nemaline myopathy 2, autosomal recessive. Identifiers: MedGen C1850569, MONDO:0009725, OMIM 256030.

Allele frequency attached by ClinVar (database versions not stated): ExAC 0.00001; TOPMed 0.00004; gnomAD 0.00007.
gnomAD v4.1: 107 of 1,613,782 alleles (0.0066%); highest among the groups gnomAD compares: Middle Eastern, 0.016%; no homozygotes.

Submissions (2):

Labcorp Genetics (formerly Invitae), Labcorp
Classification: Likely benign for Nemaline myopathy 2. Last evaluated: 2026-01-28. Review status: criteria provided, single submitter. Criteria: Invitae Variant Classification Sherloc (09022015). Collection method: clinical testing. Allele origin: germline.

GeneDx
Classification: Likely benign. Last evaluated: 2016-08-23. Review status: criteria provided, single submitter. Criteria: GeneDx Variant Classification (06012015). Collection method: clinical testing. Allele origin: germline. Affected: yes.
Comment: This variant is considered likely benign or benign based on one or more of the following criteria: it is a conservative change, it occurs at a poorly conserved position in the protein, it is predicted to be benign by multiple in silico algorithms, and/or has population frequency not consistent with disease.